The following is an entry in ClinVar:

NM_052876.4(NACC1):c.1557G>A (p.Ala519=)

Gene: NACC1 (nucleus accumbens associated 1; plus strand). Cytogenetic location: 19p13.13.
Variant type: single nucleotide variant.
Coding change: c.1557G>A on transcript NM_052876.4 (MANE Select); coding-DNA position 1557, G replaced by A.
Protein change: p.Ala519=; no amino-acid change (alanine 519 retained).
Molecular consequence: synonymous variant.
Genome position (GRCh38, 1-based): chr19:13,138,379, G>A. VCF-style: chr19-13138379-G-A. GRCh37 (hg19) VCF-style: chr19-13249193-G-A.
Identifiers: ClinVar variation 4702519 (VCV004702519.1).

ClinVar aggregate classification (germline): Uncertain significance (1 of 4 stars; one submission).

Submission:

Labcorp Genetics (formerly Invitae), Labcorp
Classification: Uncertain significance. Last evaluated: 2025-02-20. Review status: criteria provided, single submitter. Criteria: Invitae Variant Classification Sherloc (09022015). Collection method: clinical testing. Allele origin: germline.
Comment: This sequence change affects codon 519 of the NACC1 mRNA. It is a 'silent' change, meaning that it does not change the encoded amino acid sequence of the NACC1 protein. This variant is present in population databases (rs540165531, gnomAD 0.003%). This variant has not been reported in the literature in individuals affected with NACC1-related conditions. Algorithms developed to predict the effect of sequence changes on RNA splicing suggest that this variant may create or strengthen a splice site. In summary, the available evidence is currently insufficient to determine the role of this variant in disease. Therefore, it has been classified as a Variant of Uncertain Significance.